The following is an entry in ClinVar:

NM_003265.3(TLR3):c.2158G>T (p.Val720Leu)

Gene: TLR3 (toll like receptor 3; plus strand). Cytogenetic location: 4q35.1.
Variant type: single nucleotide variant.
Coding change: c.2158G>T on transcript NM_003265.3 (MANE Select); coding-DNA position 2158, G replaced by T.
Protein change: p.Val720Leu; replaces valine 720 with leucine.
Molecular consequence: missense variant.
Genome position (GRCh38, 1-based): chr4:186,083,844, G>T. VCF-style: chr4-186083844-G-T. GRCh37 (hg19) VCF-style: chr4-187004998-G-T.
Other names: short protein forms V720L.
Identifiers: ClinVar variation 1409790 (VCV001409790.6), dbSNP rs1218359456, ClinGen allele CA358935243.

ClinVar aggregate classification (germline): Uncertain significance (1 of 4 stars; one submission).

Conditions:
Encephalopathy, acute, infection-induced (herpes-specific), susceptibility to, 1. Also called: Herpes simplex encephalitis, susceptibility to, 1. Identifiers: Orphanet 1930, MedGen C2750180, MONDO:0024563, OMIM 610551.

Submission:

Labcorp Genetics (formerly Invitae), Labcorp
Classification: Uncertain significance for Encephalopathy, acute, infection-induced (herpes-specific), susceptibility to, 1. Last evaluated: 2022-03-11. Review status: criteria provided, single submitter. Criteria: Invitae Variant Classification Sherloc (09022015). Collection method: clinical testing. Allele origin: germline.
Comment: This sequence change replaces valine, which is neutral and non-polar, with leucine, which is neutral and non-polar, at codon 720 of the TLR3 protein (p.Val720Leu). This variant is not present in population databases (gnomAD no frequency). This variant has not been reported in the literature in individuals affected with TLR3-related conditions. Algorithms developed to predict the effect of missense changes on protein structure and function (SIFT, PolyPhen-2, Align-GVGD) all suggest that this variant is likely to be tolerated. In summary, the available evidence is currently insufficient to determine the role of this variant in disease. Therefore, it has been classified as a Variant of Uncertain Significance.